The following is an entry in ClinVar:

ClinVar aggregate classification (germline): Uncertain significance. Review status: criteria provided, multiple submitters, no conflicts (2 of 4 stars). 2 submissions from 2 submitters: Uncertain significance (2). Last evaluated 2025-11-05.

Conditions:
Inborn genetic diseases. Identifiers: MedGen C0950123, MeSH D030342.

Allele frequency attached by ClinVar (database versions not stated): 1000 Genomes Project 0.00020; gnomAD 0.00001; 1000 Genomes Project 30x 0.00016.
gnomAD v4.1: 88 of 1,614,128 alleles (0.0055%); highest among the groups gnomAD compares: Non-Finnish European, 0.0067%; no homozygotes.

Submissions (2):

Ambry Genetics
Classification: Uncertain significance for Inborn genetic diseases. Last evaluated: 2025-11-05. Review status: criteria provided, single submitter. Criteria: Ambry Variant Classification Scheme 2023. Collection method: clinical testing. Allele origin: germline.

GeneDx
Classification: Uncertain significance. Last evaluated: 2023-03-09. Review status: criteria provided, single submitter. Criteria: GeneDx Variant Classification Process June 2021. Collection method: clinical testing. Allele origin: germline. Affected: yes.
Comment: Not observed at significant frequency in large population cohorts (gnomAD); In silico analysis supports that this missense variant has a deleterious effect on protein structure/function; Has not been previously published as pathogenic or benign to our knowledge

NM_025215.6(PUS1):c.388C>G (p.His130Asp)

Genes: PUS1 (pseudouridine synthase 1; plus strand), LOC132090059 (Neanderthal introgressed variant-containing enhancer experimental_25941; plus strand). Cytogenetic location: 12q24.33.
Variant type: single nucleotide variant.
Coding change: c.388C>G on transcript NM_025215.6 (MANE Select); coding-DNA position 388, C replaced by G.
Protein change: p.His130Asp; replaces histidine 130 with aspartic acid.
Molecular consequence: missense variant.
Genome position (GRCh38, 1-based): chr12:131,932,259, C>G. VCF-style: chr12-131932259-C-G. GRCh37 (hg19) VCF-style: chr12-132416804-C-G.
Other names: c.304C>G, p.His102Asp (NM_001002019.3, NM_001002020.3); short protein forms H102D, H130D.
Identifiers: ClinVar variation 2579551 (VCV002579551.2), dbSNP rs201691654, ClinGen allele CA6884106.